The following is an entry in ClinVar:

ClinVar aggregate classification (germline): Uncertain significance. Review status: criteria provided, multiple submitters, no conflicts (2 of 4 stars). 3 submissions from 3 submitters: Uncertain significance (3). Last evaluated 2026-01-25.

Conditions:
Myofibrillar myopathy 5. Also called: Filaminopathy (type); FILAMINOPATHY, AUTOSOMAL DOMINANT. Identifiers: Orphanet 171445, MedGen C1836050, MONDO:0012289, OMIM 609524.
Hypertrophic cardiomyopathy 26. Also called: Cardiomyopathy, familial hypertrophic, 26. Identifiers: Orphanet 75249, MedGen C4310749, MONDO:0014883, OMIM 617047.
Distal myopathy with posterior leg and anterior hand involvement. Also called: WILLIAMS DISTAL MYOPATHY. Identifiers: Orphanet 63273, MedGen C3279722, MONDO:0013550, OMIM 614065.
Cardiovascular phenotype. Identifiers: MedGen CN230736.

Allele frequency attached by ClinVar (database versions not stated): gnomAD exomes below 0.00001 and 0.00001; TOPMed 0.00001.
gnomAD v4.1: 8 of 1,614,140 alleles (0.0005%); highest among the groups gnomAD compares: Non-Finnish European, 0.00068%; no homozygotes.

Submissions (3):

Labcorp Genetics (formerly Invitae), Labcorp
Classification: Uncertain significance for Distal myopathy with posterior leg and anterior hand involvement; Myofibrillar myopathy 5; Hypertrophic cardiomyopathy 26. Last evaluated: 2026-01-25. Review status: criteria provided, single submitter. Criteria: Invitae Variant Classification Sherloc (09022015). Collection method: clinical testing. Allele origin: germline.
Comment: This sequence change replaces alanine, which is neutral and non-polar, with threonine, which is neutral and polar, at codon 985 of the FLNC protein (p.Ala985Thr). This variant is present in population databases (no rsID available, gnomAD 0.0009%). This missense change has been observed in individual(s) with dilated cardiomyopathy (PMID: 36788754). ClinVar contains an entry for this variant (Variation ID: 656031). Invitae Evidence Modeling of protein sequence and biophysical properties (such as structural, functional, and spatial information, amino acid conservation, physicochemical variation, residue mobility, and thermodynamic stability) has been performed for this missense variant. However, the output from this modeling did not meet the statistical confidence thresholds required to predict the impact of this variant on FLNC protein function. In summary, the available evidence is currently insufficient to determine the role of this variant in disease. Therefore, it has been classified as a Variant of Uncertain Significance.

Revvity Omics, Revvity
Classification: Uncertain significance. Last evaluated: 2022-07-25. Review status: criteria provided, single submitter. Criteria: ACMG Guidelines, 2015. Collection method: clinical testing. Allele origin: germline.

Ambry Genetics
Classification: Uncertain significance for Cardiovascular phenotype. Last evaluated: 2022-04-21. Review status: criteria provided, single submitter. Criteria: Ambry Variant Classification Scheme 2023. Collection method: clinical testing. Allele origin: germline.
Comment: The p.A985T variant (also known as c.2953G>A), located in coding exon 20 of the FLNC gene, results from a G to A substitution at nucleotide position 2953. The alanine at codon 985 is replaced by threonine, an amino acid with similar properties. This amino acid position is conserved. In addition, this alteration is predicted to be tolerated by in silico analysis. Since supporting evidence is limited at this time, the clinical significance of this alteration remains unclear.

Literature cited by the submitters: PubMed 36788754 (cited by Labcorp Genetics (formerly Invitae), Labcorp).

NM_001458.5(FLNC):c.2953G>A (p.Ala985Thr)

Gene: FLNC (filamin C; plus strand). Cytogenetic location: 7q32.1.
Variant type: single nucleotide variant.
Coding change: c.2953G>A on transcript NM_001458.5 (MANE Select); coding-DNA position 2953, G replaced by A.
Protein change: p.Ala985Thr; replaces alanine 985 with threonine.
Molecular consequence: missense variant.
Genome position (GRCh38, 1-based): chr7:128,844,027, G>A. VCF-style: chr7-128844027-G-A. GRCh37 (hg19) VCF-style: chr7-128484081-G-A.
Other names: c.2953G>A, p.Ala985Thr (NM_001127487.2); short protein forms A985T.
Identifiers: ClinVar variation 656031 (VCV000656031.11), dbSNP rs1179474749, ClinGen allele CA369193707.